The following is an entry in ClinVar:

ClinVar aggregate classification (germline): Uncertain significance. Review status: criteria provided, multiple submitters, no conflicts (2 of 4 stars). 2 submissions from 2 submitters: Uncertain significance (2). Last evaluated 2024-12-31.

Conditions:
Combined immunodeficiency due to OX40 deficiency. Also called: Immunodeficiency 16; OX40 DEFICIENCY. Identifiers: Orphanet 431149, MedGen C3810053, MONDO:0014268, OMIM 615593.

Submissions (2):

Ambry Genetics
Classification: Uncertain significance. Last evaluated: 2024-12-31. Review status: criteria provided, single submitter. Criteria: Ambry Variant Classification Scheme 2023. Collection method: clinical testing. Allele origin: germline.

Labcorp Genetics (formerly Invitae), Labcorp
Classification: Uncertain significance for Combined immunodeficiency due to OX40 deficiency. Last evaluated: 2024-02-17. Review status: criteria provided, single submitter. Criteria: Invitae Variant Classification Sherloc (09022015). Collection method: clinical testing. Allele origin: germline.
Comment: This sequence change replaces serine, which is neutral and polar, with asparagine, which is neutral and polar, at codon 54 of the TNFRSF4 protein (p.Ser54Asn). This variant is not present in population databases (gnomAD no frequency). This variant has not been reported in the literature in individuals affected with TNFRSF4-related conditions. Advanced modeling of protein sequence and biophysical properties (such as structural, functional, and spatial information, amino acid conservation, physicochemical variation, residue mobility, and thermodynamic stability) performed at Invitae indicates that this missense variant is not expected to disrupt TNFRSF4 protein function with a negative predictive value of 80%. In summary, the available evidence is currently insufficient to determine the role of this variant in disease. Therefore, it has been classified as a Variant of Uncertain Significance.

NM_003327.4(TNFRSF4):c.161G>A (p.Ser54Asn)

Gene: TNFRSF4 (TNF receptor superfamily member 4; minus strand). Cytogenetic location: 1p36.33.
Variant type: single nucleotide variant.
Coding change: c.161G>A on transcript NM_003327.4 (MANE Select); coding-DNA position 161, G replaced by A.
Protein change: p.Ser54Asn; replaces serine 54 with asparagine.
Molecular consequence: missense variant.
Genome position (GRCh38, 1-based): chr1:1,213,770, C>T on the plus strand (G>A on the coding strand, the complement: TNFRSF4 is on the minus strand). VCF-style: chr1-1213770-C-T. GRCh37 (hg19) VCF-style: chr1-1149150-C-T.
Other names: c.161G>A, p.Ser54Asn (NM_001410709.1); c.161G>A (NM_003327.3); short protein forms S54N.
Identifiers: ClinVar variation 2905943 (VCV002905943.4), dbSNP rs1649327062, ClinGen allele CA337802286.